The following is an entry in ClinVar:

ClinVar aggregate classification (germline): Likely benign (1 of 4 stars; one submission).

Allele frequency attached by ClinVar (database versions not stated): gnomAD exomes 0.00005; 1000 Genomes Project 0.00040; ESP Exome Variant Server 0.00059; 1000 Genomes Project 30x 0.00156.

Submission:

CeGaT Center for Human Genetics Tuebingen
Classification: Likely benign. Last evaluated: 2023-02-01. Review status: criteria provided, single submitter. Criteria: CeGaT Center For Human Genetics Tuebingen Variant Classification Criteria Version 2. Collection method: clinical testing. Allele origin: germline. Affected: yes. Observed: 1 variant allele.
Comment: AHNAK2: BP4, BP7

NM_138420.4(AHNAK2):c.11187G>A (p.Leu3729=)

Gene: AHNAK2 (AHNAK nucleoprotein 2; minus strand). Cytogenetic location: 14q32.33.
Variant type: single nucleotide variant.
Coding change: c.11187G>A on transcript NM_138420.4 (MANE Select); coding-DNA position 11187, G replaced by A.
Protein change: p.Leu3729=; no amino-acid change (leucine 3729 retained).
Molecular consequence: synonymous variant.
Genome position (GRCh38, 1-based): chr14:104,944,264, C>T on the plus strand (G>A on the coding strand, the complement: AHNAK2 is on the minus strand). VCF-style: chr14-104944264-C-T. GRCh37 (hg19) VCF-style: chr14-105410601-C-T.
Other names: c.10887G>A, p.Leu3629= (NM_001350929.2).
Identifiers: ClinVar variation 2644652 (VCV002644652.24), dbSNP rs368299595, ClinGen allele CA7378808.